The following is an entry in ClinVar:

ClinVar aggregate classification (germline): Benign (1 of 4 stars; one submission).

Allele frequency attached by ClinVar (database versions not stated): gnomAD 0.03842 and 0.04104; TOPMed 0.04262; 1000 Genomes Project 0.04593; 1000 Genomes Project 30x 0.04685.
gnomAD v4.1: 5,652 of 148,392 alleles (3.8%); highest among the groups gnomAD compares: African/African-American, 13%; 353 homozygotes.

Submission:

GeneDx
Classification: Benign. Last evaluated: 2018-06-14. Review status: criteria provided, single submitter. Criteria: GeneDx Variant Classification (06012015). Collection method: clinical testing. Allele origin: germline. Affected: yes.
Comment: This variant is considered likely benign or benign based on one or more of the following criteria: it is a conservative change, it occurs at a poorly conserved position in the protein, it is predicted to be benign by multiple in silico algorithms, and/or has population frequency not consistent with disease.

NM_002047.4(GARS1):c.223-304G>A

Gene: GARS1 (glycyl-tRNA synthetase 1; plus strand). Cytogenetic location: 7p14.3.
Variant type: single nucleotide variant.
Coding change: c.223-304G>A on transcript NM_002047.4 (MANE Select); 304 bases into the intron before coding-DNA position 223, G replaced by A.
Molecular consequence: intron variant.
Genome position (GRCh38, 1-based): chr7:30,598,492, G>A. VCF-style: chr7-30598492-G-A. GRCh37 (hg19) VCF-style: chr7-30638108-G-A.
Other names: c.61-304G>A (NM_001316772.1).
Identifiers: ClinVar variation 673165 (VCV000673165.1), dbSNP rs113551895, ClinGen allele CA156098404.